The following is an entry in ClinVar:

NM_005618.4(DLL1):c.905C>T (p.Ala302Val)

Gene: DLL1 (delta like canonical Notch ligand 1; minus strand). Cytogenetic location: 6q27.
Variant type: single nucleotide variant.
Coding change: c.905C>T on transcript NM_005618.4 (MANE Select); coding-DNA position 905, C replaced by T.
Protein change: p.Ala302Val; replaces alanine 302 with valine.
Molecular consequence: missense variant.
Genome position (GRCh38, 1-based): chr6:170,285,381, G>A on the plus strand (C>T on the coding strand, the complement: DLL1 is on the minus strand). VCF-style: chr6-170285381-G-A. GRCh37 (hg19) VCF-style: chr6-170594469-G-A.
Other names: short protein forms A302V.
Identifiers: ClinVar variation 1803303 (VCV001803303.2), dbSNP rs1158697436, ClinGen allele CA366508460.

ClinVar aggregate classification (germline): Uncertain significance (1 of 4 stars; one submission).

Submission:

GeneDx
Classification: Uncertain significance. Last evaluated: 2026-06-17. Review status: criteria provided, single submitter. Criteria: GeneDx Variant Classification Process June 2021. Collection method: clinical testing. Allele origin: germline.
Comment: Not observed at significant frequency in large population cohorts (gnomAD); In silico analysis supports that this missense variant has a deleterious effect on protein structure/function; Has not been previously published as pathogenic or benign to our knowledge